The following is an entry in ClinVar:

NM_001048174.2(MUTYH):c.739C>A (p.Pro247Thr)

Gene: MUTYH (mutY DNA glycosylase; minus strand). Cytogenetic location: 1p34.1.
Variant type: single nucleotide variant.
Coding change: c.739C>A on transcript NM_001048174.2 (MANE Select); coding-DNA position 739, C replaced by A.
Protein change: p.Pro247Thr; replaces proline 247 with threonine.
Molecular consequence: missense variant. On other transcripts: non-coding transcript variant (2).
Genome position (GRCh38, 1-based): chr1:45,332,276, G>T on the plus strand (C>A on the coding strand, the complement: MUTYH is on the minus strand). VCF-style: chr1-45332276-G-T. GRCh37 (hg19) VCF-style: chr1-45797948-G-T.
Other names: c.739C>A, p.Pro247Thr (NM_001048171.2, NM_001048173.2, NM_001293195.2); c.742C>A, p.Pro248Thr (NM_001048172.2); c.823C>A, p.Pro275Thr (NM_001128425.2); c.784C>A, p.Pro262Thr (NM_001293190.2); c.772C>A, p.Pro258Thr (NM_001293191.2); c.463C>A, p.Pro155Thr (NM_001293192.2, NM_001293196.2); c.394C>A, p.Pro132Thr (NM_001350650.2, NM_001350651.2); c.814C>A, p.Pro272Thr (NM_012222.3); short protein forms P155T, P247T, P248T, P272T, P258T, P262T, P132T, P275T.
Identifiers: ClinVar variation 1508192 (VCV001508192.8), dbSNP rs2149139904, ClinGen allele CA340134666.

ClinVar aggregate classification (germline): Uncertain significance. Review status: criteria provided, multiple submitters, no conflicts (2 of 4 stars). 2 submissions from 2 submitters: Uncertain significance (2). Last evaluated 2025-09-18.

Conditions:
Familial adenomatous polyposis 2. Also called: MYH-associated polyposis; Adenomas, multiple colorectal; COLORECTAL ADENOMATOUS POLYPOSIS, AUTOSOMAL RECESSIVE; ADENOMAS, MULTIPLE COLORECTAL, AUTOSOMAL RECESSIVE; FAP type 2; MUTYH Polyposis. Identifiers: Orphanet 220460, Orphanet 247798, MedGen C3272841, MONDO:0012041, OMIM 608456.
Hereditary cancer-predisposing syndrome. Also called: Tumor predisposition; Neoplastic Syndromes, Hereditary; Hereditary Cancer Syndrome; Hereditary neoplastic syndrome. Identifiers: Orphanet 140162, MedGen C0027672, MeSH D009386, MONDO:0015356.

Submissions (2):

Color Diagnostics, LLC DBA Color Health
Classification: Uncertain significance for Hereditary cancer-predisposing syndrome. Last evaluated: 2025-09-18. Review status: criteria provided, single submitter. Criteria: ACMG Guidelines, 2015. Collection method: clinical testing. Allele origin: germline.
Comment: This missense variant replaces proline with threonine at codon 275 of the MUTYH protein. Computational prediction suggests that this variant may have deleterious impact on protein structure and function. To our knowledge, functional studies have not been reported for this variant. This variant has not been reported in individuals affected with MUTYH-related disorders in the literature. This variant has not been identified in the general population by the Genome Aggregation Database (gnomAD). The available evidence is insufficient to determine the role of this variant in disease conclusively. Therefore, this variant is classified as a Variant of Uncertain Significance.

Labcorp Genetics (formerly Invitae), Labcorp
Classification: Uncertain significance for Familial adenomatous polyposis 2. Last evaluated: 2025-07-30. Review status: criteria provided, single submitter. Criteria: Invitae Variant Classification Sherloc (09022015). Collection method: clinical testing. Allele origin: germline.
Comment: This sequence change replaces proline, which is neutral and non-polar, with threonine, which is neutral and polar, at codon 275 of the MUTYH protein (p.Pro275Thr). This variant is not present in population databases (gnomAD no frequency). This variant has not been reported in the literature in individuals affected with MUTYH-related conditions. ClinVar contains an entry for this variant (Variation ID: 1508192). An algorithm developed to predict the effect of missense changes on protein structure and function (PolyPhen-2) suggests that this variant is likely to be disruptive. In summary, the available evidence is currently insufficient to determine the role of this variant in disease. Therefore, it has been classified as a Variant of Uncertain Significance.